The following is an entry in ClinVar:

NM_003900.5(SQSTM1):c.979G>A (p.Glu327Lys)

Gene: SQSTM1 (sequestosome 1; plus strand). Cytogenetic location: 5q35.3.
Variant type: single nucleotide variant.
Coding change: c.979G>A on transcript NM_003900.5 (MANE Select); coding-DNA position 979, G replaced by A.
Protein change: p.Glu327Lys; replaces glutamic acid 327 with lysine.
Molecular consequence: missense variant.
Genome position (GRCh38, 1-based): chr5:179,833,596, G>A. VCF-style: chr5-179833596-G-A. GRCh37 (hg19) VCF-style: chr5-179260596-G-A.
Other names: c.727G>A, p.Glu243Lys (NM_001142298.2, NM_001142299.2); short protein forms E243K, E327K.
Identifiers: ClinVar variation 1473778 (VCV001473778.6), dbSNP rs1358261412, ClinGen allele CA362452341.

ClinVar aggregate classification (germline): Uncertain significance (1 of 4 stars; one submission).

Conditions:
Paget disease of bone 2, early-onset (PDB2). Also called: Paget disease of bone 2. Identifiers: MedGen C4085251, MONDO:0011183, OMIM 602080.
Frontotemporal dementia and/or amyotrophic lateral sclerosis 1 (FTDALS1). Also called: Frontotemporal dementia with motor neuron disease 1; C9orf72 Frontotemporal Dementia and/or Amyotrophic Lateral Sclerosis. Identifiers: Orphanet 275872, MedGen C5779877, MONDO:0007105, OMIM 105550.

Allele frequency attached by ClinVar (database versions not stated): gnomAD exomes below 0.00001.
gnomAD v4.1: 4 of 1,614,184 alleles (0.00025%); highest among the groups gnomAD compares: Non-Finnish European, 0.00034%; no homozygotes.

Submission:

Labcorp Genetics (formerly Invitae), Labcorp
Classification: Uncertain significance for Paget disease of bone 2, early-onset; Frontotemporal dementia and/or amyotrophic lateral sclerosis 1. Last evaluated: 2024-07-10. Review status: criteria provided, single submitter. Criteria: Invitae Variant Classification Sherloc (09022015). Collection method: clinical testing. Allele origin: germline.
Comment: This sequence change replaces glutamic acid, which is acidic and polar, with lysine, which is basic and polar, at codon 327 of the SQSTM1 protein (p.Glu327Lys). This variant is not present in population databases (gnomAD no frequency). This variant has not been reported in the literature in individuals affected with SQSTM1-related conditions. ClinVar contains an entry for this variant (Variation ID: 1473778). Advanced modeling of protein sequence and biophysical properties (such as structural, functional, and spatial information, amino acid conservation, physicochemical variation, residue mobility, and thermodynamic stability) performed at Invitae indicates that this missense variant is not expected to disrupt SQSTM1 protein function with a negative predictive value of 80%. In summary, the available evidence is currently insufficient to determine the role of this variant in disease. Therefore, it has been classified as a Variant of Uncertain Significance.